The following is an entry in ClinVar:

ClinVar aggregate classification (germline): Conflicting classifications of pathogenicity. Review status: criteria provided, conflicting classifications (1 of 4 stars). 2 submissions from 2 submitters: Uncertain significance (1); Benign (1). Last evaluated 2026-05-01.

Conditions:
Charcot-Marie-Tooth disease type 4. Also called: Charcot-Marie-Tooth, Type 4; Charcot-Marie-Tooth disease, type IV. Identifiers: Orphanet 64749, MedGen C4082197, MONDO:0018995.

gnomAD v4.1: 21 of 1,613,788 alleles (0.0013%); highest among the groups gnomAD compares: African/African-American, 0.0093%; no homozygotes.

Submissions (2):

CeGaT Center for Human Genetics Tuebingen
Classification: Uncertain significance. Last evaluated: 2026-05-01. Review status: criteria provided, single submitter. Criteria: CeGaT Center For Human Genetics Tuebingen Variant Classification Criteria Version 2. Collection method: clinical testing. Allele origin: germline. Affected: yes. Observed: 1 variant allele.
Comment: SH3TC2: PM2, BP4

Labcorp Genetics (formerly Invitae), Labcorp
Classification: Benign for Charcot-Marie-Tooth disease type 4. Last evaluated: 2024-03-21. Review status: criteria provided, single submitter. Criteria: Invitae Variant Classification Sherloc (09022015). Collection method: clinical testing. Allele origin: germline.

NM_024577.4(SH3TC2):c.1402G>A (p.Ala468Thr)

Gene: SH3TC2 (SH3 domain and tetratricopeptide repeats 2; minus strand). Cytogenetic location: 5q32.
Variant type: single nucleotide variant.
Coding change: c.1402G>A on transcript NM_024577.4 (MANE Select); coding-DNA position 1402, G replaced by A.
Protein change: p.Ala468Thr; replaces alanine 468 with threonine.
Molecular consequence: missense variant.
Genome position (GRCh38, 1-based): chr5:149,028,330, C>T on the plus strand (G>A on the coding strand, the complement: SH3TC2 is on the minus strand). VCF-style: chr5-149028330-C-T. GRCh37 (hg19) VCF-style: chr5-148407893-C-T.
Other names: short protein forms A468T.
Identifiers: ClinVar variation 2723854 (VCV002723854.5), dbSNP rs6875902, ClinGen allele CA3499185.